The following is an entry in ClinVar:

ClinVar aggregate classification (germline): Conflicting classifications of pathogenicity. Review status: criteria provided, conflicting classifications (1 of 4 stars). 7 submissions from 7 submitters: Uncertain significance (1); Benign (1); Likely benign (4). 1 of the submissions does not count toward it. Last evaluated 2026-04-01.

Conditions:
PGAM2-related disorder. Also called: PGAM2-related condition.
Glycogen storage disease type X (GSD10). Also called: GSD X; Dimauro disease; MYOPATHY DUE TO PHOSPHOGLYCERATE MUTASE DEFICIENCY; PGAMM DEFICIENCY; PHOSPHOGLYCERATE MUTASE, MUSCLE, DEFICIENCY OF; Glycogen storage disease due to phosphoglycerate mutase deficiency. Identifiers: Orphanet 97234, MedGen C0268149, MONDO:0009865, OMIM 261670.

Allele frequency attached by ClinVar (database versions not stated): gnomAD exomes 0.00011 and 0.00027; ExAC 0.00029; 1000 Genomes Project 0.00060; 1000 Genomes Project 30x 0.00062; gnomAD 0.00110 and 0.00118; TOPMed 0.00110; ESP Exome Variant Server 0.00138.
gnomAD v4.1: 348 of 1,614,210 alleles (0.022%); highest among the groups gnomAD compares: African/African-American, 0.35%; no homozygotes.

Submissions (7):

CeGaT Center for Human Genetics Tuebingen
Classification: Likely benign. Last evaluated: 2026-04-01. Review status: criteria provided, single submitter. Criteria: CeGaT Center For Human Genetics Tuebingen Variant Classification Criteria Version 2. Collection method: clinical testing. Allele origin: germline. Affected: yes. Observed: 2 variant alleles.
Comment: PGAM2: BP4, BP7

Labcorp Genetics (formerly Invitae), Labcorp
Classification: Benign for Glycogen storage disease type X. Last evaluated: 2026-01-28. Review status: criteria provided, single submitter. Criteria: Invitae Variant Classification Sherloc (09022015). Collection method: clinical testing. Allele origin: germline.

Blueprint Genetics
Classification: Likely benign. Last evaluated: 2024-09-13. Review status: criteria provided, single submitter. Criteria: ACMG Guidelines, 2015. Collection method: clinical testing. Allele origin: germline.

ARUP Laboratories, Molecular Genetics and Genomics, ARUP Laboratories
Classification: Likely benign for Glycogen storage disease type X. Last evaluated: 2024-05-03. Review status: criteria provided, single submitter. Criteria: ARUP Molecular Germline Variant Investigation Process 2024. Collection method: clinical testing. Allele origin: germline.

GeneDx
Classification: Likely benign. Last evaluated: 2019-06-05. Review status: criteria provided, single submitter. Criteria: GeneDx Variant Classification Process June 2021. Collection method: clinical testing. Allele origin: germline. Affected: yes.

Illumina Laboratory Services, Illumina
Classification: Uncertain significance for Glycogen storage disease type X. Last evaluated: 2018-01-12. Review status: criteria provided, single submitter. Criteria: ICSL Variant Classification Criteria 13 December 2019. Collection method: clinical testing. Allele origin: germline.

PreventionGenetics, part of Exact Sciences
Classification: Likely benign for PGAM2-related condition. Last evaluated: 2019-05-30. Review status: no assertion criteria provided. Collection method: clinical testing. Allele origin: germline. Not counted in ClinVar's aggregate classification.
Comment: This variant is classified as likely benign based on ACMG/AMP sequence variant interpretation guidelines (Richards et al. 2015 PMID: 25741868, with internal and published modifications).

NM_000290.4(PGAM2):c.726C>T (p.Ala242=)

Genes: DBNL (drebrin like; plus strand), PGAM2 (phosphoglycerate mutase 2; minus strand). Cytogenetic location: 7p13.
Variant type: single nucleotide variant.
Coding change: c.726C>T on transcript NM_000290.4 (MANE Select); coding-DNA position 726, C replaced by T.
Protein change: p.Ala242=; no amino-acid change (alanine 242 retained).
Molecular consequence: synonymous variant. On other transcripts: 3 prime UTR variant (6).
Genome position (GRCh38, 1-based): chr7:44,062,800, G>A on the plus strand (C>T on the coding strand, the complement: PGAM2 is on the minus strand). VCF-style: chr7-44062800-G-A. GRCh37 (hg19) VCF-style: chr7-44102399-G-A.
Other names: c.*1884G>A (NM_001014436.3, NM_001122956.2, NM_001284313.2 and 3 more transcripts).
Identifiers: ClinVar variation 360270 (VCV000360270.42), dbSNP rs142209394, ClinGen allele CA4236486.
Genomic context (GRCh38, chr7:44,062,800, plus strand): 5'-GCCTTTATTGCCCAAGCCCACCCCTCACTTGGCCTTGCCCTGGGCAGCCACAGCCTCCAT[G>A]GCCTTCCGCACCGTTTCCTCATCACCCAGGAACTGCATGGGCTTGGTGGGCTTCAGCTCC-3'
Protein context (NP_000281.2, residues 232-252): FLGDEETVRK[Ala242=]MEAVAAQGKA